The following is an entry in ClinVar:

ClinVar aggregate classification (germline): Conflicting classifications of pathogenicity. Review status: criteria provided, conflicting classifications (1 of 4 stars). 4 submissions from 4 submitters: Uncertain significance (3); Likely benign (1). Last evaluated 2025-08-01.

Conditions:
Hereditary cancer-predisposing syndrome. Also called: Neoplastic Syndromes, Hereditary; Tumor predisposition; Hereditary neoplastic syndrome; Hereditary Cancer Syndrome. Identifiers: Orphanet 140162, MedGen C0027672, MeSH D009386, MONDO:0015356.
Hereditary breast ovarian cancer syndrome. Also called: Hereditary breast and ovarian cancer syndrome; Hereditary breast and ovarian cancer; Hereditary breast and ovarian cancer syndrome (HBOC); Breast and ovarian cancer; Hereditary breast and/or ovarian cancer syndrome; BRCA1- and BRCA2-Associated Hereditary Breast and Ovarian Cancer. Identifiers: Orphanet 145, MedGen C0677776, MeSH D061325, MONDO:0003582. Disease mechanism: loss of function.

Submissions (4):

Ambry Genetics
Classification: Uncertain significance for Hereditary cancer-predisposing syndrome. Last evaluated: 2025-08-01. Review status: criteria provided, single submitter. Criteria: Ambry Variant Classification Scheme 2023. Collection method: clinical testing. Allele origin: germline.
Comment: The p.R672S variant (also known as c.2016A>C), located in coding exon 10 of the BRCA2 gene, results from an A to C substitution at nucleotide position 2016. The arginine at codon 672 is replaced by serine, an amino acid with dissimilar properties. This amino acid position is conserved. In addition, this alteration is predicted to be tolerated by in silico analysis. Based on the available evidence, the clinical significance of this variant remains unclear.

Color Diagnostics, LLC DBA Color Health
Classification: Uncertain significance for Hereditary cancer-predisposing syndrome. Last evaluated: 2023-12-05. Review status: criteria provided, single submitter. Criteria: ACMG Guidelines, 2015. Collection method: clinical testing. Allele origin: germline.
Comment: This missense variant replaces arginine with serine at codon 672 of the BRCA2 protein. Computational prediction suggests that this variant may not impact protein structure and function (internally defined REVEL score threshold <= 0.5, PMID: 27666373). To our knowledge, functional studies have not been reported for this variant. This variant has not been reported in individuals affected with BRCA2-related disorders in the literature. This variant has not been identified in the general population by the Genome Aggregation Database (gnomAD). The available evidence is insufficient to determine the role of this variant in disease conclusively. Therefore, this variant is classified as a Variant of Uncertain Significance.

Labcorp Genetics (formerly Invitae), Labcorp
Classification: Uncertain significance for Hereditary breast ovarian cancer syndrome. Last evaluated: 2023-06-27. Review status: criteria provided, single submitter. Criteria: Invitae Variant Classification Sherloc (09022015). Collection method: clinical testing. Allele origin: germline.
Comment: Advanced modeling of protein sequence and biophysical properties (such as structural, functional, and spatial information, amino acid conservation, physicochemical variation, residue mobility, and thermodynamic stability) performed at Invitae indicates that this missense variant is not expected to disrupt BRCA2 protein function. ClinVar contains an entry for this variant (Variation ID: 627916). This variant has not been reported in the literature in individuals affected with BRCA2-related conditions. This variant is not present in population databases (gnomAD no frequency). This sequence change replaces arginine, which is basic and polar, with serine, which is neutral and polar, at codon 672 of the BRCA2 protein (p.Arg672Ser). In summary, the available evidence is currently insufficient to determine the role of this variant in disease. Therefore, it has been classified as a Variant of Uncertain Significance.

University of Washington Department of Laboratory Medicine, University of Washington
Classification: Likely benign for Hereditary cancer-predisposing syndrome. Last evaluated: 2023-03-23. Review status: criteria provided, single submitter. Criteria: Dines et al. (Genet Med. 2020). Collection method: curation. Allele origin: germline.
Comment: Missense variant in a coldspot region where missense variants are very unlikely to be pathogenic (PMID:31911673).

BRCA2 exon 11 coldspot. Reclassification based on statistical prior probability.

NM_000059.4(BRCA2):c.2016A>C (p.Arg672Ser)

Gene: BRCA2 (BRCA2 DNA repair associated; plus strand). Cytogenetic location: 13q13.1.
Variant type: single nucleotide variant.
Coding change: c.2016A>C on transcript NM_000059.4 (MANE Select); coding-DNA position 2016, A replaced by C.
Protein change: p.Arg672Ser; replaces arginine 672 with serine.
Molecular consequence: missense variant.
Genome position (GRCh38, 1-based): chr13:32,336,371, A>C. VCF-style: chr13-32336371-A-C. GRCh37 (hg19) VCF-style: chr13-32910508-A-C.
Other names: short protein forms R672S.
Identifiers: ClinVar variation 627916 (VCV000627916.11), dbSNP rs1566225944, ClinGen allele CA387768784.